The following is an entry in ClinVar:

ClinVar aggregate classification (germline): Likely benign. Review status: criteria provided, multiple submitters, no conflicts (2 of 4 stars). 8 submissions from 8 submitters: Likely benign (5). 3 of the submissions do not count toward it. Last evaluated 2026-01-12.

Conditions:
GATA6-related disorder. Also called: GATA6-related condition.
Atrioventricular septal defect 5 (AVSD5). Identifiers: MedGen C3280939, MONDO:0013769, OMIM 614474.

Allele frequency attached by ClinVar (database versions not stated): 1000 Genomes Project 30x 0.00031; gnomAD 0.00059 and 0.00060; TOPMed 0.00074.
gnomAD v4.1: 1,139 of 1,231,450 alleles (0.092%); highest among the groups gnomAD compares: Middle Eastern, 0.49%; no homozygotes.

Submissions (8):

Labcorp Genetics (formerly Invitae), Labcorp
Classification: Likely benign for Atrioventricular septal defect 5. Last evaluated: 2026-01-12. Review status: criteria provided, single submitter. Criteria: Invitae Variant Classification Sherloc (09022015). Collection method: clinical testing. Allele origin: germline.

Blueprint Genetics
Classification: Likely benign. Last evaluated: 2024-10-22. Review status: criteria provided, single submitter. Criteria: ACMG Guidelines, 2015. Collection method: clinical testing. Allele origin: germline.

CeGaT Center for Human Genetics Tuebingen
Classification: Likely benign. Last evaluated: 2023-03-01. Review status: criteria provided, single submitter. Criteria: CeGaT Center For Human Genetics Tuebingen Variant Classification Criteria Version 2. Collection method: clinical testing. Allele origin: germline. Affected: yes. Observed: 2 variant alleles.
Comment: GATA6: BP4, BP7

GeneDx
Classification: Likely benign. Last evaluated: 2021-08-31. Review status: criteria provided, single submitter. Criteria: GeneDx Variant Classification Process June 2021. Collection method: clinical testing. Allele origin: germline. Affected: yes.

Breakthrough Genomics
Classification: Likely benign. Review status: criteria provided, single submitter. Criteria: ACMG Guidelines, 2015. Collection method: not provided. Allele origin: germline. Inheritance: Autosomal dominant inheritance. Affected: yes.

PreventionGenetics, part of Exact Sciences
Classification: Likely benign for GATA6-related condition. Last evaluated: 2020-01-02. Review status: no assertion criteria provided. Collection method: clinical testing. Allele origin: germline. Not counted in ClinVar's aggregate classification.
Comment: This variant is classified as likely benign based on ACMG/AMP sequence variant interpretation guidelines (Richards et al. 2015 PMID: 25741868, with internal and published modifications).

Genome Diagnostics Laboratory, University Medical Center Utrecht
Classification: Likely benign. Review status: no assertion criteria provided. Collection method: clinical testing. Allele origin: germline. Affected: yes. Study: VKGL Data-share Consensus. Not counted in ClinVar's aggregate classification.

Laboratory of Diagnostic Genome Analysis, Leiden University Medical Center (LUMC)
Classification: Likely benign. Review status: no assertion criteria provided. Collection method: clinical testing. Allele origin: germline. Affected: yes. Study: VKGL Data-share Consensus. Not counted in ClinVar's aggregate classification.

NM_005257.6(GATA6):c.855G>T (p.Ala285=)

Gene: GATA6 (GATA binding protein 6; plus strand). Cytogenetic location: 18q11.2.
Variant type: single nucleotide variant.
Coding change: c.855G>T on transcript NM_005257.6 (MANE Select); coding-DNA position 855, G replaced by T.
Protein change: p.Ala285=; no amino-acid change (alanine 285 retained).
Molecular consequence: synonymous variant.
Genome position (GRCh38, 1-based): chr18:22,171,999, G>T. VCF-style: chr18-22171999-G-T. GRCh37 (hg19) VCF-style: chr18-19751960-G-T.
Identifiers: ClinVar variation 472918 (VCV000472918.41), dbSNP rs1014349671, ClinGen allele CA297147980.